The following is an entry in ClinVar:

NM_001458.5(FLNC):c.2234G>A (p.Gly745Glu)

Gene: FLNC (filamin C; plus strand). Cytogenetic location: 7q32.1.
Variant type: single nucleotide variant.
Coding change: c.2234G>A on transcript NM_001458.5 (MANE Select); coding-DNA position 2234, G replaced by A.
Protein change: p.Gly745Glu; replaces glycine 745 with glutamic acid.
Molecular consequence: missense variant.
Genome position (GRCh38, 1-based): chr7:128,842,343, G>A. VCF-style: chr7-128842343-G-A. GRCh37 (hg19) VCF-style: chr7-128482397-G-A.
Other names: c.2234G>A, p.Gly745Glu (NM_001127487.2); short protein forms G745E.
Identifiers: ClinVar variation 3360927 (VCV003360927.2).

ClinVar aggregate classification (germline): Uncertain significance (1 of 4 stars; one submission).

Submission:

GeneDx
Classification: Uncertain significance. Last evaluated: 2026-06-15. Review status: criteria provided, single submitter. Criteria: GeneDx Variant Classification Process June 2021. Collection method: clinical testing. Allele origin: germline.
Comment: Not observed at significant frequency in large population cohorts (gnomAD); In silico analysis supports that this missense variant has a deleterious effect on protein structure/function; Has not been previously published as pathogenic or benign to our knowledge